The following is an entry in ClinVar:

NM_004999.4(MYO6):c.719A>G (p.Lys240Arg)

Gene: MYO6 (myosin VI; plus strand). Cytogenetic location: 6q14.1.
Variant type: single nucleotide variant.
Coding change: c.719A>G on transcript NM_004999.4 (MANE Select); coding-DNA position 719, A replaced by G.
Protein change: p.Lys240Arg; replaces lysine 240 with arginine.
Molecular consequence: missense variant. On other transcripts: non-coding transcript variant (2).
Genome position (GRCh38, 1-based): chr6:75,841,281, A>G. VCF-style: chr6-75841281-A-G. GRCh37 (hg19) VCF-style: chr6-76550998-A-G.
Other names: c.719A>G, p.Lys240Arg (NM_001300899.2, NM_001368136.1, NM_001368137.1 and 4 more transcripts); c.704A>G, p.Lys235Arg (NM_001368138.1); short protein forms K235R, K240R.
Identifiers: ClinVar variation 3364612 (VCV003364612.1).

ClinVar aggregate classification (germline): Uncertain significance (1 of 4 stars; one submission).

gnomAD v4.1: 3 of 1,613,872 alleles (0.00019%); highest among the groups gnomAD compares: Non-Finnish European, 0.00025%; no homozygotes.

Submission:

GeneDx
Classification: Uncertain significance. Last evaluated: 2023-11-29. Review status: criteria provided, single submitter. Criteria: GeneDx Variant Classification Process June 2021. Collection method: clinical testing. Allele origin: germline. Affected: yes.
Comment: In silico analysis supports that this missense variant does not alter protein structure/function; Has not been previously published as pathogenic or benign to our knowledge